The following is an entry in ClinVar:

NM_014003.4(DHX38):c.3586del (p.Leu1196fs)

Gene: DHX38 (DEAH-box helicase 38; plus strand). Cytogenetic location: 16q22.2.
Variant type: Deletion.
Coding change: c.3586del on transcript NM_014003.4 (MANE Select); coding-DNA position 3586, one base deleted (C; older notation c.3586delC).
Protein change: p.Leu1196fs; shifts the reading frame from leucine 1196.
Molecular consequence: frameshift variant.
Genome position (GRCh38, 1-based): chr16:72,111,064, C deleted; the last of 5 consecutive C bases (chr16:72,111,060-72,111,064); deleting any one gives the same sequence. VCF-style (leftmost placement, unchanged base first): chr16-72111059-GC-G. GRCh37 (hg19) VCF-style: chr16-72144958-GC-G.
Other names: short protein forms L1196fs.
Identifiers: ClinVar variation 1501777 (VCV001501777.6), dbSNP rs2144181771, ClinGen allele CA2573152680.

ClinVar aggregate classification (germline): Uncertain significance (1 of 4 stars; one submission).

Submission:

Labcorp Genetics (formerly Invitae), Labcorp
Classification: Uncertain significance. Last evaluated: 2021-08-29. Review status: criteria provided, single submitter. Criteria: Invitae Variant Classification Sherloc (09022015). Collection method: clinical testing. Allele origin: germline.
Comment: In summary, the available evidence is currently insufficient to determine the role of this variant in disease. Therefore, it has been classified as a Variant of Uncertain Significance. Experimental studies and prediction algorithms are not available or were not evaluated, and the functional significance of this variant is currently unknown. This variant has not been reported in the literature in individuals affected with DHX38-related conditions. This variant is not present in population databases (ExAC no frequency). This sequence change creates a premature translational stop signal (p.Leu1196Trpfs*21) in the DHX38 gene. While this is not anticipated to result in nonsense mediated decay, it is expected to disrupt the last 32 amino acid(s) of the DHX38 protein.